The following is an entry in ClinVar:

ClinVar aggregate classification (germline): Likely benign. Review status: criteria provided, multiple submitters, no conflicts (2 of 4 stars). 2 submissions from 2 submitters: Likely benign (2). Last evaluated 2025-06-01.

Allele frequency attached by ClinVar (database versions not stated): gnomAD 0.00001; gnomAD exomes 0.00001; TOPMed 0.00001; ExAC 0.00002.
gnomAD v4.1: 33 of 1,592,560 alleles (0.0021%); highest among the groups gnomAD compares: Non-Finnish European, 0.0027%; no homozygotes.

Submissions (2):

CeGaT Center for Human Genetics Tuebingen
Classification: Likely benign. Last evaluated: 2025-06-01. Review status: criteria provided, single submitter. Criteria: CeGaT Center For Human Genetics Tuebingen Variant Classification Criteria Version 2. Collection method: clinical testing. Allele origin: germline. Affected: yes. Observed: 1 variant allele.
Comment: PACS2: BP4, BP7

Labcorp Genetics (formerly Invitae), Labcorp
Classification: Likely benign. Last evaluated: 2023-12-11. Review status: criteria provided, single submitter. Criteria: Invitae Variant Classification Sherloc (09022015). Collection method: clinical testing. Allele origin: germline.

NM_001100913.3(PACS2):c.2250C>T (p.Ser750=)

Gene: PACS2 (phosphofurin acidic cluster sorting protein 2; plus strand). Cytogenetic location: 14q32.33.
Variant type: single nucleotide variant.
Coding change: c.2250C>T on transcript NM_001100913.3 (MANE Select); coding-DNA position 2250, C replaced by T.
Protein change: p.Ser750=; no amino-acid change (serine 750 retained).
Molecular consequence: synonymous variant.
Genome position (GRCh38, 1-based): chr14:105,391,761, C>T. VCF-style: chr14-105391761-C-T. GRCh37 (hg19) VCF-style: chr14-105858098-C-T.
Other names: c.1980C>T, p.Ser660= (NM_001243127.3); c.2205C>T, p.Ser735= (NM_015197.4).
Identifiers: ClinVar variation 1638971 (VCV001638971.16), dbSNP rs782283384, ClinGen allele CA7389208.